The following is an entry in ClinVar:

NM_001851.6(COL9A1):c.1692dup (p.Gly565fs)

Gene: COL9A1 (collagen type IX alpha 1 chain; minus strand). Cytogenetic location: 6q13.
Variant type: Duplication.
Coding change: c.1692dup on transcript NM_001851.6 (MANE Select); coding-DNA position 1692, one base duplicated (T; older notation c.1692dupT).
Protein change: p.Gly565fs; shifts the reading frame from glycine 565.
Molecular consequence: frameshift variant. On other transcripts: non-coding transcript variant (1).
Genome position (GRCh38, 1-based): chr6:70,254,503, A duplicated on the plus strand (T on the coding strand, the reverse complement: COL9A1 is on the minus strand). VCF-style (leftmost placement, unchanged base first): chr6-70254502-C-CA. GRCh37 (hg19) VCF-style: chr6-70964205-C-CA.
Other names: c.993dup, p.Gly332fs (NM_001377289.1); c.963dup, p.Gly322fs (NM_001377290.1, NM_078485.4); short protein forms G332fs, G565fs, G322fs.
Identifiers: ClinVar variation 3653797 (VCV003653797.2).
Genomic context (GRCh38, chr6:70,254,502, plus strand): 5'-AAACCAATTAACATGTAAAGAATCAAATACTTACTGGTAACCCCTGCAATCCTGCATCAC[C>CA]AGGAGGCCCAGGTTTTCCTGGTTCACCCTGCAAAAAAAGCTTTTATCACATGATTGAACC-3'

ClinVar aggregate classification (germline): Pathogenic (1 of 4 stars; one submission).

Submission:

Labcorp Genetics (formerly Invitae), Labcorp
Classification: Pathogenic. Last evaluated: 2024-05-31. Review status: criteria provided, single submitter. Criteria: Invitae Variant Classification Sherloc (09022015). Collection method: clinical testing. Allele origin: germline.
Comment: This sequence change creates a premature translational stop signal (p.Gly565Trpfs*2) in the COL9A1 gene. It is expected to result in an absent or disrupted protein product. Loss-of-function variants in COL9A1 are known to be pathogenic (PMID: 16909383, 21421862). This variant is not present in population databases (gnomAD no frequency). This variant has not been reported in the literature in individuals affected with COL9A1-related conditions. For these reasons, this variant has been classified as Pathogenic.

Literature cited by the submitters: PubMed 16909383; PubMed 21421862.